The following is an entry in ClinVar:

NM_015375.3(DSTYK):c.165C>T (p.Ile55=)

Gene: DSTYK (dual serine/threonine and tyrosine protein kinase; minus strand). Cytogenetic location: 1q32.1.
Variant type: single nucleotide variant.
Coding change: c.165C>T on transcript NM_015375.3 (MANE Select); coding-DNA position 165, C replaced by T.
Protein change: p.Ile55=; no amino-acid change (isoleucine 55 retained).
Molecular consequence: synonymous variant.
Genome position (GRCh38, 1-based): chr1:205,211,371, G>A on the plus strand (C>T on the coding strand, the complement: DSTYK is on the minus strand). VCF-style: chr1-205211371-G-A. GRCh37 (hg19) VCF-style: chr1-205180499-G-A.
Other names: c.165C>T, p.Ile55= (NM_199462.3).
Identifiers: ClinVar variation 3043019 (VCV003043019.2), dbSNP rs749146065, ClinGen allele CA1353113.

ClinVar aggregate classification (germline): Likely benign (0 of 4 stars; one submission).

Conditions:
DSTYK-related disorder. Also called: DSTYK-related condition.

gnomAD v4.1: 4 of 1,612,664 alleles (0.00025%); highest among the groups gnomAD compares: Non-Finnish European, 0.00025%; no homozygotes.

Submission:

PreventionGenetics, part of Exact Sciences
Classification: Likely benign for DSTYK-related condition. Last evaluated: 2019-06-26. Review status: no assertion criteria provided. Collection method: clinical testing. Allele origin: germline.
Comment: This variant is classified as likely benign based on ACMG/AMP sequence variant interpretation guidelines (Richards et al. 2015 PMID: 25741868, with internal and published modifications).